The following is an entry in ClinVar:

NM_001609.4(ACADSB):c.1128+2T>A

Gene: ACADSB (acyl-CoA dehydrogenase short/branched chain; plus strand). Cytogenetic location: 10q26.13.
Variant type: single nucleotide variant.
Coding change: c.1128+2T>A on transcript NM_001609.4 (MANE Select); the canonical splice donor site of the intron after coding-DNA position 1128, T replaced by A.
Molecular consequence: splice donor variant.
Genome position (GRCh38, 1-based): chr10:123,051,188, T>A. VCF-style: chr10-123051188-T-A. GRCh37 (hg19) VCF-style: chr10-124810704-T-A.
Other names: NC_000010.10:g.124810704T>A; c.822+2T>A (NM_001330174.3).
Identifiers: ClinVar variation 4360895 (VCV004360895.2).

ClinVar aggregate classification (germline): Likely pathogenic (1 of 4 stars; one submission).

Conditions:
Deficiency of 2-methylbutyryl-CoA dehydrogenase (ACADSB). Also called: 2-methylbutyryl-CoA dehydrogenase deficiency; SBCAD deficiency; 2-methylbutyric aciduria; Short branched-chain acyl-CoA dehydrogenase deficiency; 2-methylbutyrylglycinuria. Identifiers: Orphanet 79157, MedGen C1864912, MONDO:0012392, OMIM 610006, HP:0020147.

Submissions (5):

Labcorp Genetics (formerly Invitae), Labcorp
Classification: Likely pathogenic for Deficiency of 2-methylbutyryl-CoA dehydrogenase. Last evaluated: 2026-01-31. Review status: criteria provided, single submitter. Criteria: Invitae Variant Classification Sherloc (09022015). Collection method: clinical testing. Allele origin: germline.
Comment: This sequence change affects a donor splice site in intron 9 of the ACADSB gene. It is expected to disrupt RNA splicing. Variants that disrupt the donor or acceptor splice site typically lead to a loss of protein function (PMID: 16199547), and loss-of-function variants in ACADSB are known to be pathogenic (PMID: 20547083, 26284228). This variant is not present in population databases (gnomAD no frequency). This variant has not been reported in the literature in individuals affected with ACADSB-related conditions. Algorithms developed to predict the effect of sequence changes on RNA splicing suggest that this variant may disrupt the consensus splice site. In summary, the currently available evidence indicates that the variant is pathogenic, but additional data are needed to prove that conclusively. Therefore, this variant has been classified as Likely Pathogenic.

Dr. Peter K. Rogan Lab, Western University
No classification provided (evidence only). Condition: Papillary renal cell carcinoma type 1. Review status: no classification provided. Collection method: in vitro. Allele origin: not applicable. Functional consequence: retained intron. Not counted in ClinVar's aggregate classification.

Dr. Peter K. Rogan Lab, Western University
No classification provided (evidence only). Condition: Familial cancer of breast. Review status: no classification provided. Collection method: in vitro. Allele origin: not applicable. Functional consequence: retained intron. Not counted in ClinVar's aggregate classification.

Dr. Peter K. Rogan Lab, Western University
No classification provided (evidence only). Condition: Familial cancer of breast. Review status: no classification provided. Collection method: in vitro. Allele origin: not applicable. Functional consequence: retained intron. Not counted in ClinVar's aggregate classification.

Dr. Peter K. Rogan Lab, Western University
No classification provided (evidence only). Condition: Cervical cancer. Review status: no classification provided. Collection method: in vitro. Allele origin: not applicable. Functional consequence: retained intron. Not counted in ClinVar's aggregate classification.

Literature cited by the submitters: PubMed 16199547 (cited by Labcorp Genetics (formerly Invitae), Labcorp); PubMed 20547083 (cited by Labcorp Genetics (formerly Invitae), Labcorp); PubMed 26284228 (cited by Labcorp Genetics (formerly Invitae), Labcorp).